The following is an entry in ClinVar:

ClinVar aggregate classification (germline): Uncertain significance. Review status: criteria provided, multiple submitters, no conflicts (2 of 4 stars). 2 submissions from 2 submitters: Uncertain significance (2). Last evaluated 2025-05-27.

Conditions:
Developmental and epileptic encephalopathy, 12 (DEE12). Identifiers: MedGen C3150988, MONDO:0013389, OMIM 613722.

Allele frequency attached by ClinVar (database versions not stated): TOPMed below 0.00001.
gnomAD v4.1: 2 of 1,555,264 alleles (0.00013%); highest among the groups gnomAD compares: African/African-American, 0.0027%; no homozygotes.

Submissions (2):

Labcorp Genetics (formerly Invitae), Labcorp
Classification: Uncertain significance for Developmental and epileptic encephalopathy, 12. Last evaluated: 2025-05-27. Review status: criteria provided, single submitter. Criteria: Invitae Variant Classification Sherloc (09022015). Collection method: clinical testing. Allele origin: germline.
Comment: This sequence change replaces glutamic acid, which is acidic and polar, with aspartic acid, which is acidic and polar, at codon 455 of the PNKP protein (p.Glu455Asp). This variant is not present in population databases (gnomAD no frequency). This variant has not been reported in the literature in individuals affected with PNKP-related conditions. ClinVar contains an entry for this variant (Variation ID: 1687640). Invitae Evidence Modeling of protein sequence and biophysical properties (such as structural, functional, and spatial information, amino acid conservation, physicochemical variation, residue mobility, and thermodynamic stability) indicates that this missense variant is not expected to disrupt PNKP protein function with a negative predictive value of 80%. In summary, the available evidence is currently insufficient to determine the role of this variant in disease. Therefore, it has been classified as a Variant of Uncertain Significance.

GeneDx
Classification: Uncertain significance. Last evaluated: 2023-01-05. Review status: criteria provided, single submitter. Criteria: GeneDx Variant Classification Process June 2021. Collection method: clinical testing. Allele origin: germline. Affected: yes.
Comment: Not observed at significant frequency in large population cohorts (gnomAD); In silico analysis supports that this missense variant does not alter protein structure/function; Has not been previously published as pathogenic or benign to our knowledge; This variant is associated with the following publications: (PMID: 22508754)

NM_007254.4(PNKP):c.1365G>C (p.Glu455Asp)

Gene: PNKP (polynucleotide kinase 3'-phosphatase; minus strand). Cytogenetic location: 19q13.33.
Variant type: single nucleotide variant.
Coding change: c.1365G>C on transcript NM_007254.4 (MANE Select); coding-DNA position 1365, G replaced by C.
Protein change: p.Glu455Asp; replaces glutamic acid 455 with aspartic acid.
Molecular consequence: missense variant.
Genome position (GRCh38, 1-based): chr19:49,861,629, C>G on the plus strand (G>C on the coding strand, the complement: PNKP is on the minus strand). VCF-style: chr19-49861629-C-G. GRCh37 (hg19) VCF-style: chr19-50364886-C-G.
Other names: short protein forms E455D.
Identifiers: ClinVar variation 1687640 (VCV001687640.4), dbSNP rs929075083, ClinGen allele CA309539873.